The following is an entry in ClinVar:

NC_000007.13:g.(?_94214811)_(94252729_?)dup

Gene: SGCE (sarcoglycan epsilon; minus strand). Cytogenetic location: 7q21.3.
Variant type: Duplication.
Identifiers: ClinVar variation 1410883 (VCV001410883.4).

ClinVar aggregate classification (germline): Uncertain significance (1 of 4 stars; one submission).

Conditions:
Myoclonic dystonia 11 (DYT11). Also called: DYT-SGCE; Myoclonic dystonia; Dystonia 11; Dystonia, alcohol responsive; Hereditary essential myoclonus; SGCE Myoclonus-Dystonia. Identifiers: Orphanet 36899, MedGen C1834570, MONDO:0008044, OMIM 159900.

Submission:

Labcorp Genetics (formerly Invitae), Labcorp
Classification: Uncertain significance for Myoclonic dystonia 11. Last evaluated: 2022-12-08. Review status: criteria provided, single submitter. Criteria: Invitae Variant Classification Sherloc (09022015). Collection method: clinical testing. Allele origin: germline.
Comment: In summary, the available evidence is currently insufficient to determine the role of this variant in disease. Therefore, it has been classified as a Variant of Uncertain Significance. Experimental studies and prediction algorithms are not available or were not evaluated, and the functional significance of this variant is currently unknown. This variant has not been reported in the literature in individuals affected with SGCE-related conditions. This variant results in a copy number gain of the genomic region encompassing exon(s) 4-11 of the SGCE gene. This region includes the termination codon of the gene. This copy number gain extends beyond the assayed region for this gene and therefore may encompass additional genes. As the precise location of this event is unknown, it may be in tandem or it may be located elsewhere in the genome.